The following is an entry in ClinVar:

NM_001270508.2(TNFAIP3):c.1787G>A (p.Arg596Gln)

Gene: TNFAIP3 (TNF alpha induced protein 3; plus strand). Cytogenetic location: 6q23.3.
Variant type: single nucleotide variant.
Coding change: c.1787G>A on transcript NM_001270508.2 (MANE Select); coding-DNA position 1787, G replaced by A.
Protein change: p.Arg596Gln; replaces arginine 596 with glutamine.
Molecular consequence: missense variant.
Genome position (GRCh38, 1-based): chr6:137,879,232, G>A. VCF-style: chr6-137879232-G-A. GRCh37 (hg19) VCF-style: chr6-138200369-G-A.
Other names: c.1787G>A, p.Arg596Gln (NM_001270507.2, NM_006290.4); short protein forms R596Q.
Identifiers: ClinVar variation 3613445 (VCV003613445.2).
Genomic context (GRCh38, chr6:137,879,232, plus strand): 5'-CGCATTCTTGCCACAGAGCTGGAAACGACGCCCCTGCTGGCTGCCTGTCTCAAGCTGCAC[G>A]GACTCCTGGGGACAGGACGGGGACGAGCAAGTGCAGAAAAGCCGGCTGCGTGTATTTTGG-3'
Protein context (NP_001257437.1, residues 586-606): APAGCLSQAA[Arg596Gln]TPGDRTGTSK

ClinVar aggregate classification (germline): Uncertain significance (1 of 4 stars; one submission).

Submission:

Labcorp Genetics (formerly Invitae), Labcorp
Classification: Uncertain significance. Last evaluated: 2026-01-25. Review status: criteria provided, single submitter. Criteria: Invitae Variant Classification Sherloc (09022015). Collection method: clinical testing. Allele origin: germline.
Comment: This sequence change replaces arginine, which is basic and polar, with glutamine, which is neutral and polar, at codon 596 of the TNFAIP3 protein (p.Arg596Gln). This variant is present in population databases (no rsID available, gnomAD no frequency). This variant has not been reported in the literature in individuals affected with TNFAIP3-related conditions. ClinVar contains an entry for this variant (Variation ID: 3613445). Invitae Evidence Modeling of protein sequence and biophysical properties (such as structural, functional, and spatial information, amino acid conservation, physicochemical variation, residue mobility, and thermodynamic stability) indicates that this missense variant is not expected to disrupt TNFAIP3 protein function with a negative predictive value of 80%. In summary, the available evidence is currently insufficient to determine the role of this variant in disease. Therefore, it has been classified as a Variant of Uncertain Significance.